The following is an entry in ClinVar:

ClinVar aggregate classification (germline): Likely benign. Review status: criteria provided, multiple submitters, no conflicts (2 of 4 stars). 2 submissions from 2 submitters: Likely benign (2). Last evaluated 2025-02-20.

Conditions:
Breast-ovarian cancer, familial, susceptibility to, 4. Identifiers: Orphanet 145, MedGen C3280345, MONDO:0013669, OMIM 614291.

Allele frequency attached by ClinVar (database versions not stated): TOPMed below 0.00001; gnomAD 0.00001.
gnomAD v4.1: 1 of 1,611,684 alleles (0.000062%); highest among the groups gnomAD compares: Non-Finnish European, 0.000085%; no homozygotes.

Submissions (2):

Myriad Genetics, Inc.
Classification: Likely benign for Breast-ovarian cancer, familial, susceptibility to, 4. Last evaluated: 2025-02-20. Review status: criteria provided, single submitter. Criteria: Myriad Autosomal Dominant, Autosomal Recessive and X-Linked Classification Criteria (2023). Collection method: clinical testing. Allele origin: unknown.
Comment: This variant is considered likely benign. This variant is intronic and is not expected to impact mRNA splicing.

Labcorp Genetics (formerly Invitae), Labcorp
Classification: Likely benign for Breast-ovarian cancer, familial, susceptibility to, 4. Last evaluated: 2020-03-23. Review status: criteria provided, single submitter. Criteria: Invitae Variant Classification Sherloc (09022015). Collection method: clinical testing. Allele origin: germline.

NM_002878.4(RAD51D):c.263+8T>C

Genes: RAD51L3-RFFL (RAD51L3-RFFL readthrough; minus strand), RAD51D (RAD51 paralog D; minus strand). Cytogenetic location: 17q12.
Variant type: single nucleotide variant.
Coding change: c.263+8T>C on transcript NM_002878.4 (MANE Select); 8 bases into the intron after coding-DNA position 263, T replaced by C.
Molecular consequence: intron variant.
Genome position (GRCh38, 1-based): chr17:35,118,493, A>G on the plus strand (T>C on the coding strand, the complement: RAD51D is on the minus strand). VCF-style: chr17-35118493-A-G. GRCh37 (hg19) VCF-style: chr17-33445512-A-G.
Other names: c.144+618T>C (NM_001142571.2, NM_133629.3).
Identifiers: ClinVar variation 1080444 (VCV001080444.10), dbSNP rs1208695895, ClinGen allele CA728365469.
Genomic context (GRCh38, chr17:35,118,493, plus strand): 5'-AAAAGCAGAGCTGAGAGGAGGCCCCATCCTCCTGCCTCTCTCCTTCTTCCCCAAGTACAC[A>G]CACAAACCTGCCAATGCCAGTGGACAGGATGGCAGTGGAGGTCTTCAGTTCCTCGTAGAG-3'